The following is an entry in ClinVar:

NM_005633.4(SOS1):c.3220G>C (p.Glu1074Gln)

Gene: SOS1 (SOS Ras/Rac guanine nucleotide exchange factor 1; minus strand). Cytogenetic location: 2p22.1.
Variant type: single nucleotide variant.
Coding change: c.3220G>C on transcript NM_005633.4 (MANE Select); coding-DNA position 3220, G replaced by C.
Protein change: p.Glu1074Gln; replaces glutamic acid 1074 with glutamine.
Molecular consequence: missense variant.
Genome position (GRCh38, 1-based): chr2:38,995,249, C>G on the plus strand (G>C on the coding strand, the complement: SOS1 is on the minus strand). VCF-style: chr2-38995249-C-G. GRCh37 (hg19) VCF-style: chr2-39222390-C-G.
Other names: c.3199G>C, p.Glu1067Gln (NM_001382394.1); c.3220G>C, p.Glu1074Gln (NM_001382395.1); short protein forms E1067Q, E1074Q.
Identifiers: ClinVar variation 1806641 (VCV001806641.4), dbSNP rs2528915031, ClinGen allele CA346360762.

ClinVar aggregate classification (germline): Uncertain significance. Review status: criteria provided, multiple submitters, no conflicts (2 of 4 stars). 2 submissions from 2 submitters: Uncertain significance (2). Last evaluated 2023-08-28.

Conditions:
RASopathy. Also called: Noonan spectrum disorder; rasopathies. Identifiers: Orphanet 536391, MedGen C5555857, MONDO:0021060.

gnomAD v4.1: 1 of 1,614,092 alleles (0.000062%); highest among the groups gnomAD compares: Non-Finnish European, 0.000085%; no homozygotes.

Submissions (2):

Labcorp Genetics (formerly Invitae), Labcorp
Classification: Uncertain significance for RASopathy. Last evaluated: 2023-08-28. Review status: criteria provided, single submitter. Criteria: Invitae Variant Classification Sherloc (09022015). Collection method: clinical testing. Allele origin: germline.
Comment: This sequence change replaces glutamic acid, which is acidic and polar, with glutamine, which is neutral and polar, at codon 1074 of the SOS1 protein (p.Glu1074Gln). This variant is not present in population databases (gnomAD no frequency). This variant has not been reported in the literature in individuals affected with SOS1-related conditions. ClinVar contains an entry for this variant (Variation ID: 1806641). Advanced modeling of protein sequence and biophysical properties (such as structural, functional, and spatial information, amino acid conservation, physicochemical variation, residue mobility, and thermodynamic stability) has been performed at Invitae for this missense variant, however the output from this modeling did not meet the statistical confidence thresholds required to predict the impact of this variant on SOS1 protein function. In summary, the available evidence is currently insufficient to determine the role of this variant in disease. Therefore, it has been classified as a Variant of Uncertain Significance.

GeneDx
Classification: Uncertain significance. Last evaluated: 2022-06-22. Review status: criteria provided, single submitter. Criteria: GeneDx Variant Classification Process June 2021. Collection method: clinical testing. Allele origin: germline. Affected: yes.
Comment: Not observed at significant frequency in large population cohorts (gnomAD); Missense variants in this gene are often considered pathogenic (HGMD); In silico analysis supports that this missense variant does not alter protein structure/function; Has not been previously published as pathogenic or benign to our knowledge; This variant is associated with the following publications: (PMID: 29493581)